The following is an entry in ClinVar:

ClinVar aggregate classification (germline): Uncertain significance (1 of 4 stars; one submission).

Conditions:
Fanconi anemia (FA). Also called: Fanconi's anemia. Identifiers: Orphanet 84, MedGen C0015625, MeSH D005199, MONDO:0019391.

Submission:

Labcorp Genetics (formerly Invitae), Labcorp
Classification: Uncertain significance for Fanconi anemia. Last evaluated: 2024-05-07. Review status: criteria provided, single submitter. Criteria: Invitae Variant Classification Sherloc (09022015). Collection method: clinical testing. Allele origin: germline.
Comment: This sequence change replaces phenylalanine, which is neutral and non-polar, with cysteine, which is neutral and slightly polar, at codon 154 of the FANCD2 protein (p.Phe154Cys). This variant is not present in population databases (gnomAD no frequency). This variant has not been reported in the literature in individuals affected with FANCD2-related conditions. Advanced modeling of protein sequence and biophysical properties (such as structural, functional, and spatial information, amino acid conservation, physicochemical variation, residue mobility, and thermodynamic stability) performed at Invitae indicates that this missense variant is expected to disrupt FANCD2 protein function with a positive predictive value of 80%. In summary, the available evidence is currently insufficient to determine the role of this variant in disease. Therefore, it has been classified as a Variant of Uncertain Significance.

NM_001018115.3(FANCD2):c.461T>G (p.Phe154Cys)

Genes: FANCD2 (FA complementation group D2; plus strand), LOC107303338 (3p25 FANCD2 Alu-mediated recombination region; plus strand). Cytogenetic location: 3p25.3.
Variant type: single nucleotide variant.
Coding change: c.461T>G on transcript NM_001018115.3 (MANE Select); coding-DNA position 461, T replaced by G.
Protein change: p.Phe154Cys; replaces phenylalanine 154 with cysteine.
Molecular consequence: missense variant.
Genome position (GRCh38, 1-based): chr3:10,036,309, T>G. VCF-style: chr3-10036309-T-G. GRCh37 (hg19) VCF-style: chr3-10077993-T-G.
Other names: c.461T>G, p.Phe154Cys (NM_001319984.2, NM_001374253.1, NM_001374254.1 and 2 more transcripts); short protein forms F154C.
Identifiers: ClinVar variation 2828303 (VCV002828303.3), dbSNP rs200668378, ClinGen allele CA351722132.